The following is an entry in ClinVar:

NM_001199397.3(NEK1):c.3726del (p.Asp1243fs)

Gene: NEK1 (NIMA related kinase 1; minus strand). Cytogenetic location: 4q33.
Variant type: Deletion.
Coding change: c.3726del on transcript NM_001199397.3 (MANE Select); coding-DNA position 3726, one base deleted (A; older notation c.3726delA).
Protein change: p.Asp1243fs; shifts the reading frame from aspartic acid 1243.
Molecular consequence: frameshift variant. On other transcripts: non-coding transcript variant (1).
Genome position (GRCh38, 1-based): chr4:169,400,346, T deleted on the plus strand (A on the coding strand, the reverse complement: NEK1 is on the minus strand); the first of 2 consecutive T bases (chr4:169,400,346-169,400,347); deleting either gives the same sequence. VCF-style (leftmost placement, unchanged base first): chr4-169400345-CT-C. GRCh37 (hg19) VCF-style: chr4-170321496-CT-C.
Other names: c.3594del, p.Asp1199fs (NM_001199398.3); c.3435del, p.Asp1146fs (NM_001199399.3); c.3510del, p.Asp1171fs (NM_001199400.3); c.3726del, p.Asp1243fs (NM_001374418.1); c.3642del, p.Asp1215fs (NM_001374419.1, NM_012224.4); c.3591del, p.Asp1198fs (NM_001374420.1); c.3243del, p.Asp1082fs (NM_001374421.1); short protein forms D1198fs, D1215fs, D1146fs, D1171fs, D1199fs, D1082fs, D1243fs.
Identifiers: ClinVar variation 2812876 (VCV002812876.3), dbSNP rs2477550717, ClinGen allele CA2739270346.

ClinVar aggregate classification (germline): Pathogenic (1 of 4 stars; one submission).

Conditions:
Short-rib thoracic dysplasia 6 with or without polydactyly (SRTD6). Also called: Majewski Syndrome; SHORT RIB-POLYDACTYLY SYNDROME, TYPE IIA; POLYDACTYLY WITH NEONATAL CHONDRODYSTROPHY, TYPE II; SHORT-RIB THORACIC DYSPLASIA 6 WITH POLYDACTYLY; SHORT-RIB THORACIC DYSPLASIA 6 WITHOUT POLYDACTYLY. Identifiers: MedGen C0024507, MONDO:0009894, OMIM 263520.

Submission:

Labcorp Genetics (formerly Invitae), Labcorp
Classification: Pathogenic for Short-rib thoracic dysplasia 6 with or without polydactyly. Last evaluated: 2022-11-08. Review status: criteria provided, single submitter. Criteria: Invitae Variant Classification Sherloc (09022015). Collection method: clinical testing. Allele origin: germline.
Comment: For these reasons, this variant has been classified as Pathogenic. This variant has not been reported in the literature in individuals affected with NEK1-related conditions. This variant is not present in population databases (gnomAD no frequency). This sequence change creates a premature translational stop signal (p.Asp1215Metfs*12) in the NEK1 gene. It is expected to result in an absent or disrupted protein product. Loss-of-function variants in NEK1 are known to be pathogenic (PMID: 22499340, 29068549).

Literature cited by the submitters: PubMed 22499340; PubMed 29068549.